The following is an entry in ClinVar:

ClinVar aggregate classification (germline): Likely benign. Review status: criteria provided, multiple submitters, no conflicts (2 of 4 stars). 4 submissions from 4 submitters: Likely benign (3). 1 of the submissions does not count toward it. Last evaluated 2025-12-21.

Conditions:
Nephronophthisis. Also called: Juvenile Nephronophthisis. Identifiers: Orphanet 655, MedGen C0687120, MONDO:0019005, HP:0000090.
Nephronophthisis 4 (NPHP4). Also called: NEPHRONOPHTHISIS 4, JUVENILE. Identifiers: Orphanet 655, MedGen C1847013, MONDO:0011752, OMIM 606966.
Senior-Loken syndrome 4 (SLSN4). Identifiers: Orphanet 3156, MedGen C1846979, MONDO:0011756, OMIM 606996.
NPHP4-related disorder. Also called: NPHP4-related condition; NPHP4-related disorders. Identifiers: MedGen CN239384.

Allele frequency attached by ClinVar (database versions not stated): TOPMed 0.00010.
gnomAD v4.1: 70 of 1,605,648 alleles (0.0044%); highest among the groups gnomAD compares: Admixed American, 0.012%; no homozygotes.

Submissions (4):

Labcorp Genetics (formerly Invitae), Labcorp
Classification: Likely benign for Nephronophthisis. Last evaluated: 2025-12-21. Review status: criteria provided, single submitter. Criteria: Invitae Variant Classification Sherloc (09022015). Collection method: clinical testing. Allele origin: germline.

Blueprint Genetics
Classification: Likely benign. Last evaluated: 2024-09-06. Review status: criteria provided, single submitter. Criteria: ACMG Guidelines, 2015. Collection method: clinical testing. Allele origin: germline.

Fulgent Genetics
Classification: Likely benign for Nephronophthisis 4; Senior-Loken syndrome 4. Last evaluated: 2021-09-06. Review status: criteria provided, single submitter. Criteria: ACMG Guidelines, 2015. Collection method: clinical testing. Allele origin: unknown.

PreventionGenetics, part of Exact Sciences
Classification: Likely benign for NPHP4-related condition. Last evaluated: 2022-12-07. Review status: no assertion criteria provided. Collection method: clinical testing. Allele origin: germline. Not counted in ClinVar's aggregate classification.
Comment: This variant is classified as likely benign based on ACMG/AMP sequence variant interpretation guidelines (Richards et al. 2015 PMID: 25741868, with internal and published modifications).

NM_015102.5(NPHP4):c.3144C>T (p.Ala1048=)

Gene: NPHP4 (nephrocystin 4; minus strand). Cytogenetic location: 1p36.31.
Variant type: single nucleotide variant.
Coding change: c.3144C>T on transcript NM_015102.5 (MANE Select); coding-DNA position 3144, C replaced by T.
Protein change: p.Ala1048=; no amino-acid change (alanine 1048 retained).
Molecular consequence: synonymous variant. On other transcripts: non-coding transcript variant (1).
Genome position (GRCh38, 1-based): chr1:5,874,558, G>A on the plus strand (C>T on the coding strand, the complement: NPHP4 is on the minus strand). VCF-style: chr1-5874558-G-A. GRCh37 (hg19) VCF-style: chr1-5934618-G-A.
Other names: c.1605C>T, p.Ala535= (NM_001291593.2); c.1608C>T, p.Ala536= (NM_001291594.2).
Identifiers: ClinVar variation 240970 (VCV000240970.14), dbSNP rs540738356, ClinGen allele CA553781.